The following is an entry in ClinVar:

ClinVar aggregate classification (germline): Uncertain significance (1 of 4 stars; one submission).

Submission:

GeneDx
Classification: Uncertain significance. Last evaluated: 2024-05-13. Review status: criteria provided, single submitter. Criteria: GeneDx Variant Classification Process June 2021. Collection method: clinical testing. Allele origin: germline. Affected: yes.
Comment: Not observed at significant frequency in large population cohorts (gnomAD); In silico analysis supports that this missense variant has a deleterious effect on splicing; In silico analysis indicates that this missense variant does not alter protein structure/function; Has not been previously published as pathogenic or benign to our knowledge

NM_001130021.3(ATP6V0A1):c.482G>T (p.Gly161Val)

Gene: ATP6V0A1 (ATPase H+ transporting V0 subunit a1; plus strand). Cytogenetic location: 17q21.2.
Variant type: single nucleotide variant.
Coding change: c.482G>T on transcript NM_001130021.3 (MANE Select); coding-DNA position 482, G replaced by T.
Protein change: p.Gly161Val; replaces glycine 161 with valine.
Molecular consequence: missense variant. On other transcripts: intron variant (2).
Genome position (GRCh38, 1-based): chr17:42,477,718, G>T. VCF-style: chr17-42477718-G-T. GRCh37 (hg19) VCF-style: chr17-40629736-G-T.
Other names: c.503G>T, p.Gly168Val (NM_001130020.3, NM_001378522.1, NM_001378523.1 and 5 more transcripts); c.482G>T, p.Gly161Val (NM_001378530.1, NM_001378533.1, NM_001378535.1 and 10 more transcripts); c.374G>T, p.Gly125Val (NM_001378536.1, NM_001378550.1, NM_001378556.1); c.353G>T, p.Gly118Val (NM_001378538.1, NM_001378540.1); c.323G>T, p.Gly108Val (NM_001378543.1); c.302G>T, p.Gly101Val (NM_001378549.1); c.424-2949G>T (NM_001378545.1, NM_001378554.1); short protein forms G101V, G108V, G118V, G125V, G161V, G168V.
Identifiers: ClinVar variation 3378207 (VCV003378207.1).